The following is an entry in ClinVar:

ClinVar aggregate classification (germline): Uncertain significance. Review status: criteria provided, multiple submitters, no conflicts (2 of 4 stars). 2 submissions from 2 submitters: Uncertain significance (2). Last evaluated 2023-12-14.

Allele frequency attached by ClinVar (database versions not stated): ESP Exome Variant Server 0.00015; gnomAD 0.00016 and 0.00017; TOPMed 0.00018; gnomAD exomes 0.00027.
gnomAD v4.1: 420 of 1,614,106 alleles (0.026%); highest among the groups gnomAD compares: Non-Finnish European, 0.033%; no homozygotes.

Submissions (2):

Blueprint Genetics
Classification: Uncertain significance. Last evaluated: 2023-12-14. Review status: criteria provided, single submitter. Criteria: ACMG Guidelines, 2015. Collection method: clinical testing. Allele origin: germline.

Labcorp Genetics (formerly Invitae), Labcorp
Classification: Uncertain significance. Last evaluated: 2022-08-16. Review status: criteria provided, single submitter. Criteria: Invitae Variant Classification Sherloc (09022015). Collection method: clinical testing. Allele origin: germline.
Comment: This sequence change replaces leucine, which is neutral and non-polar, with glutamine, which is neutral and polar, at codon 88 of the TRAF3IP1 protein (p.Leu88Gln). This variant is present in population databases (rs137999499, gnomAD 0.02%). This variant has not been reported in the literature in individuals affected with TRAF3IP1-related conditions. ClinVar contains an entry for this variant (Variation ID: 962142). Algorithms developed to predict the effect of missense changes on protein structure and function are either unavailable or do not agree on the potential impact of this missense change (SIFT: "Deleterious"; PolyPhen-2: "Possibly Damaging"; Align-GVGD: "Class C0"). In summary, the available evidence is currently insufficient to determine the role of this variant in disease. Therefore, it has been classified as a Variant of Uncertain Significance.

NM_015650.4(IFT54):c.263T>A (p.Leu88Gln)

Gene: IFT54 (intraflagellar transport 54; plus strand). Cytogenetic location: 2q37.3.
Variant type: single nucleotide variant.
Coding change: c.263T>A on transcript NM_015650.4 (MANE Select); coding-DNA position 263, T replaced by A.
Protein change: p.Leu88Gln; replaces leucine 88 with glutamine.
Molecular consequence: missense variant.
Genome position (GRCh38, 1-based): chr2:238,325,879, T>A. VCF-style: chr2-238325879-T-A. GRCh37 (hg19) VCF-style: chr2-239234520-T-A.
Other names: c.263T>A, p.Leu88Gln (NM_001139490.1); short protein forms L88Q.
Identifiers: ClinVar variation 962142 (VCV000962142.6), dbSNP rs137999499, ClinGen allele CA2197998.